The following is an entry in ClinVar:

ClinVar aggregate classification (germline): Uncertain significance (1 of 4 stars; one submission).

Submission:

Labcorp Genetics (formerly Invitae), Labcorp
Classification: Uncertain significance. Last evaluated: 2021-04-10. Review status: criteria provided, single submitter. Criteria: Invitae Variant Classification Sherloc (09022015). Collection method: clinical testing. Allele origin: germline.
Comment: In summary, the available evidence is currently insufficient to determine the role of this variant in disease. Therefore, it has been classified as a Variant of Uncertain Significance. Algorithms developed to predict the effect of missense changes on protein structure and function are either unavailable or do not agree on the potential impact of this missense change (SIFT: "Tolerated"; PolyPhen-2: "Probably Damaging"; Align-GVGD: "Class C0"). This sequence change replaces methionine with isoleucine at codon 343 of the CHM protein (p.Met343Ile). The methionine residue is moderately conserved and there is a small physicochemical difference between methionine and isoleucine. This variant is not present in population databases (ExAC no frequency). This variant has not been reported in the literature in individuals with CHM-related conditions.

NM_000390.4(CHM):c.1029G>T (p.Met343Ile)

Gene: CHM (CHM Rab escort protein; minus strand). Cytogenetic location: Xq21.2.
Variant type: single nucleotide variant.
Coding change: c.1029G>T on transcript NM_000390.4 (MANE Select); coding-DNA position 1029, G replaced by T.
Protein change: p.Met343Ile; replaces methionine 343 with isoleucine.
Molecular consequence: missense variant.
Genome position (GRCh38, 1-based): chrX:85,956,290, C>A on the plus strand (G>T on the coding strand, the complement: CHM is on the minus strand). VCF-style: chrX-85956290-C-A. GRCh37 (hg19) VCF-style: chrX-85211295-C-A.
Other names: c.585G>T, p.Met195Ile (NM_001320959.1, NM_001362517.1, NM_001362518.2 and 1 more transcripts); short protein forms M343I, M195I.
Identifiers: ClinVar variation 1386541 (VCV001386541.8), dbSNP rs2147663235, ClinGen allele CA413785249.